The following is an entry in ClinVar:

ClinVar aggregate classification (germline): Uncertain significance (1 of 4 stars; one submission).

Allele frequency attached by ClinVar (database versions not stated): ExAC 0.00001; gnomAD exomes below 0.00001.
gnomAD v4.1: 3 of 1,613,836 alleles (0.00019%); highest among the groups gnomAD compares: East Asian, 0.0022%; no homozygotes.

Submission:

GeneDx
Classification: Uncertain significance. Last evaluated: 2020-01-21. Review status: criteria provided, single submitter. Criteria: GeneDx Variant Classification Process June 2021. Collection method: clinical testing. Allele origin: germline. Affected: yes.
Comment: Not observed at a significant frequency in large population cohorts (Lek et al., 2016); In silico analysis, which includes protein predictors and evolutionary conservation, supports that this variant does not alter protein structure/function; Has not been previously published as pathogenic or benign to our knowledge

NM_000091.5(COL4A3):c.789C>G (p.Asp263Glu)

Genes: COL4A3 (collagen type IV alpha 3 chain; plus strand), MFF-DT (MFF divergent transcript; minus strand). Cytogenetic location: 2q36.3.
Variant type: single nucleotide variant.
Coding change: c.789C>G on transcript NM_000091.5 (MANE Select); coding-DNA position 789, C replaced by G.
Protein change: p.Asp263Glu; replaces aspartic acid 263 with glutamic acid.
Molecular consequence: missense variant.
Genome position (GRCh38, 1-based): chr2:227,254,135, C>G. VCF-style: chr2-227254135-C-G. GRCh37 (hg19) VCF-style: chr2-228118851-C-G.
Other names: short protein forms D263E.
Identifiers: ClinVar variation 1313070 (VCV001313070.2), dbSNP rs779821655, ClinGen allele CA2146370.